The following is an entry in ClinVar:

NM_000540.3(RYR1):c.2704C>G (p.Leu902Val)

Gene: RYR1 (ryanodine receptor 1; plus strand). Cytogenetic location: 19q13.2.
Variant type: single nucleotide variant.
Coding change: c.2704C>G on transcript NM_000540.3 (MANE Select); coding-DNA position 2704, C replaced by G.
Protein change: p.Leu902Val; replaces leucine 902 with valine.
Molecular consequence: missense variant.
Genome position (GRCh38, 1-based): chr19:38,463,768, C>G. VCF-style: chr19-38463768-C-G. GRCh37 (hg19) VCF-style: chr19-38954408-C-G.
Other names: c.2704C>G, p.Leu902Val (NM_001042723.2); short protein forms L902V.
Identifiers: ClinVar variation 4757632 (VCV004757632.1).
Genomic context (GRCh38, chr19:38,463,768, plus strand): 5'-AAAGGGGAGCACATGGAGTTGACCCTGGGTTTTCTCCAGGTTCGGGATGACAACAAGAGG[C>G]TGCACCCGTGTCTTGTGGACTTCCACAGCCTTCCAGAGCCTGAGAGGAACTACAACCTGC-3'
Protein context (NP_000531.2, residues 892-912): YGPVRDDNKR[Leu902Val]HPCLVDFHSL

ClinVar aggregate classification (germline): Uncertain significance (1 of 4 stars; one submission).

Conditions:
Malignant hyperthermia, susceptibility to, 1 (MHS1). Also called: RYR1-Related Malignant Hyperthermia Susceptibility; Malignant hyperthermia suceptibility 1; Anesthesia related hyperthermia; Malignant hyperpyrexia; Fulminating hyperpyrexia; Pharmacogenic myopathy. Identifiers: Orphanet 423, MedGen C2930980, MONDO:0007783, OMIM 145600.

Submission:

Color Diagnostics, LLC DBA Color Health
Classification: Uncertain significance for Malignant hyperthermia, susceptibility to, 1. Last evaluated: 2025-07-14. Review status: criteria provided, single submitter. Criteria: ACMG Guidelines, 2015. Collection method: clinical testing. Allele origin: germline.
Comment: This missense variant replaces leucine with valine at codon 902 of the RYR1 protein. Computational prediction suggests that this variant may not impact protein structure and function. To our knowledge, functional studies have not been reported for this variant. This variant has not been reported in individuals affected with RYR1-related disorders in the literature. This variant has not been identified in the general population by the Genome Aggregation Database (gnomAD). The available evidence is insufficient to determine the role of this variant in disease conclusively. Therefore, this variant is classified as a Variant of Uncertain Significance.